The following is an entry in ClinVar:

ClinVar aggregate classification (germline): Benign/Likely benign. Review status: criteria provided, multiple submitters, no conflicts (2 of 4 stars). 4 submissions from 4 submitters: Benign (3); Likely benign (1). Last evaluated 2025-12-30.

Allele frequency attached by ClinVar (database versions not stated): gnomAD exomes 0.00042 and 0.00111; ExAC 0.00135; 1000 Genomes Project 0.00359; 1000 Genomes Project 30x 0.00359; gnomAD 0.00419 and 0.00458; ESP Exome Variant Server 0.00508; TOPMed 0.00517.
gnomAD v4.1: 1,294 of 1,613,128 alleles (0.08%); highest among the groups gnomAD compares: African/African-American, 1.5%; 11 homozygotes.

Submissions (4):

Labcorp Genetics (formerly Invitae), Labcorp
Classification: Benign. Last evaluated: 2025-12-30. Review status: criteria provided, single submitter. Criteria: Invitae Variant Classification Sherloc (09022015). Collection method: clinical testing. Allele origin: germline.

GeneDx
Classification: Likely benign. Last evaluated: 2022-02-08. Review status: criteria provided, single submitter. Criteria: GeneDx Variant Classification Process June 2021. Collection method: clinical testing. Allele origin: germline. Affected: yes.
Comment: See Variant Classification Assertion Criteria.

Athena Diagnostics
Classification: Benign. Last evaluated: 2017-10-25. Review status: criteria provided, single submitter. Criteria: Athena Diagnostics Criteria. Collection method: clinical testing. Allele origin: germline.

Breakthrough Genomics
Classification: Benign. Review status: criteria provided, single submitter. Criteria: ACMG Guidelines, 2015. Collection method: not provided. Allele origin: germline. Inheritance: Autosomal recessive inheritance. Affected: yes.

NM_006946.4(SPTBN2):c.6099G>A (p.Glu2033=)

Gene: SPTBN2 (spectrin beta, non-erythrocytic 2; minus strand). Cytogenetic location: 11q13.2.
Variant type: single nucleotide variant.
Coding change: c.6099G>A on transcript NM_006946.4 (MANE Select); coding-DNA position 6099, G replaced by A.
Protein change: p.Glu2033=; no amino-acid change (glutamic acid 2033 retained).
Molecular consequence: synonymous variant.
Genome position (GRCh38, 1-based): chr11:66,688,785, C>T on the plus strand (G>A on the coding strand, the complement: SPTBN2 is on the minus strand). VCF-style: chr11-66688785-C-T. GRCh37 (hg19) VCF-style: chr11-66456256-C-T.
Identifiers: ClinVar variation 586487 (VCV000586487.13), dbSNP rs150696057, ClinGen allele CA6128050.